The following is an entry in ClinVar:

ClinVar aggregate classification (germline): Uncertain significance (1 of 4 stars; one submission).

Submission:

Labcorp Genetics (formerly Invitae), Labcorp
Classification: Uncertain significance. Last evaluated: 2022-09-07. Review status: criteria provided, single submitter. Criteria: Invitae Variant Classification Sherloc (09022015). Collection method: clinical testing. Allele origin: germline.
Comment: This variant has not been reported in the literature in individuals affected with MARS2-related conditions. This variant is present in population databases (rs201906089, gnomAD 0.01%). This sequence change replaces glutamic acid, which is acidic and polar, with glutamine, which is neutral and polar, at codon 445 of the MARS2 protein (p.Glu445Gln). Algorithms developed to predict the effect of missense changes on protein structure and function (SIFT, PolyPhen-2, Align-GVGD) all suggest that this variant is likely to be tolerated. In summary, the available evidence is currently insufficient to determine the role of this variant in disease. Therefore, it has been classified as a Variant of Uncertain Significance.

NM_138395.4(MARS2):c.1333G>C (p.Glu445Gln)

Gene: MARS2 (methionyl-tRNA synthetase 2, mitochondrial; plus strand). Cytogenetic location: 2q33.1.
Variant type: single nucleotide variant.
Coding change: c.1333G>C on transcript NM_138395.4 (MANE Select); coding-DNA position 1333, G replaced by C.
Protein change: p.Glu445Gln; replaces glutamic acid 445 with glutamine.
Molecular consequence: missense variant.
Genome position (GRCh38, 1-based): chr2:197,706,738, G>C. VCF-style: chr2-197706738-G-C. GRCh37 (hg19) VCF-style: chr2-198571462-G-C.
Other names: short protein forms E445Q.
Identifiers: ClinVar variation 1961821 (VCV001961821.5), dbSNP rs201906089, ClinGen allele CA62879000.